The following is an entry in ClinVar:

NM_002432.3(MNDA):c.398C>T (p.Ala133Val)

Gene: MNDA (myeloid cell nuclear differentiation antigen; plus strand). Cytogenetic location: 1q23.1.
Variant type: single nucleotide variant.
Coding change: c.398C>T on transcript NM_002432.3 (MANE Select); coding-DNA position 398, C replaced by T.
Protein change: p.Ala133Val; replaces alanine 133 with valine.
Molecular consequence: missense variant.
Genome position (GRCh38, 1-based): chr1:158,843,411, C>T. VCF-style: chr1-158843411-C-T. GRCh37 (hg19) VCF-style: chr1-158813201-C-T.
Other names: short protein forms A133V.
Identifiers: ClinVar variation 3295431 (VCV003295431.1).

ClinVar aggregate classification (germline): Uncertain significance (1 of 4 stars; one submission).

Submission:

Ambry Genetics
Classification: Uncertain significance. Last evaluated: 2024-04-09. Review status: criteria provided, single submitter. Criteria: Ambry Variant Classification Scheme 2023. Collection method: clinical testing. Allele origin: germline.
Comment: The p.A133V variant (also known as c.398C>T), located in coding exon 2 of the MNDA gene, results from a C to T substitution at nucleotide position 398. The alanine at codon 133 is replaced by valine, an amino acid with similar properties. This amino acid position is conserved. In addition, this alteration is predicted to be tolerated by in silico analysis. Based on the available evidence, the clinical significance of this variant remains unclear.